The following is an entry in ClinVar:

ClinVar aggregate classification (germline): Conflicting classifications of pathogenicity. Review status: criteria provided, conflicting classifications (1 of 4 stars). 17 submissions from 16 submitters: Uncertain significance (1); Benign (6); Likely benign (5). 5 of the submissions do not count toward it. Last evaluated 2026-02-04.

Conditions:
Cardiovascular phenotype. Identifiers: MedGen CN230736.
Walker-Warburg congenital muscular dystrophy. Also called: Muscular dystrophy-dystroglycanopathy, type A; Walker-Warburg syndrome. Identifiers: Orphanet 899, MedGen C0265221, MONDO:0000171.
Cardiomyopathy (CMYO). Also called: Cardiomyopathies. Identifiers: Orphanet 167848, MedGen C0878544, MONDO:0004994, HP:0001638. Inheritance: Various modes of inheritance.
Muscular dystrophy-dystroglycanopathy (congenital with brain and eye anomalies), type A, 4 (MDDGA4). Also called: Fukuyama congenital muscular dystrophy; Muscular dystrophy, congenital progressive, with mental retardation; Muscular dystrophy, congenital, with central nervous system involvement; Cerebromuscular dystrophy, Fukuyama type; Congenital muscular dystrophy-dystroglycanopathy with brain and eye anomalies, type A4; WALKER-WARBURG SYNDROME OR MUSCLE-EYE-BRAIN DISEASE, FKTN-RELATED. Identifiers: Orphanet 272, Orphanet 588, Orphanet 899, MedGen C0410174, MONDO:0009678, OMIM 253800.
Dilated cardiomyopathy 1X (CMD1X). Also called: FKTN-Related Dilated Cardiomyopathy; CARDIOMYOPATHY, DILATED, WITH MILD OR NO PROXIMAL MUSCLE WEAKNESS. Identifiers: Orphanet 154, MedGen C1969024, MONDO:0012704, OMIM 611615.

Allele frequency attached by ClinVar (database versions not stated): ExAC 0.01677; 1000 Genomes Project 0.00499; 1000 Genomes Project 30x 0.00500; gnomAD 0.00808 and 0.00853; TOPMed 0.00826; ESP Exome Variant Server 0.00870; gnomAD exomes 0.01038 and 0.01132.
gnomAD v4.1: 15,769 of 1,545,974 alleles (1%); highest among the groups gnomAD compares: South Asian, 2.5%; 162 homozygotes.

Submissions (17):

Labcorp Genetics (formerly Invitae), Labcorp
Classification: Benign for Walker-Warburg congenital muscular dystrophy. Last evaluated: 2026-02-04. Review status: criteria provided, single submitter. Criteria: Invitae Variant Classification Sherloc (09022015). Collection method: clinical testing. Allele origin: germline.

ARUP Laboratories, Molecular Genetics and Genomics, ARUP Laboratories
Classification: Benign. Last evaluated: 2025-04-10. Review status: criteria provided, single submitter. Criteria: ARUP Molecular Germline Variant Investigation Process 2024. Collection method: clinical testing. Allele origin: germline.

Molecular Diagnostic Laboratory for Inherited Cardiovascular Disease, Montreal Heart Institute
Classification: Likely benign. Last evaluated: 2025-04-09. Review status: criteria provided, single submitter. Criteria: ACMG Guidelines, 2015. Collection method: clinical testing. Allele origin: germline. Affected: no.

Mayo Clinic Laboratories, Mayo Clinic
Classification: Benign. Last evaluated: 2023-01-05. Review status: criteria provided, single submitter. Criteria: ACMG Guidelines, 2015. Collection method: clinical testing. Allele origin: germline. Observed: 66 variant alleles.
Comment: BS1, BS2, BP4, BP7

Illumina Laboratory Services, Illumina
Classification: Uncertain significance for Dilated cardiomyopathy 1X. Last evaluated: 2018-01-13. Review status: criteria provided, single submitter. Criteria: ICSL Variant Classification Criteria 13 December 2019. Collection method: clinical testing. Allele origin: germline.

Illumina Laboratory Services, Illumina
Classification: Likely benign for Muscular dystrophy-dystroglycanopathy (congenital with brain and eye anomalies), type A, 4. Last evaluated: 2018-01-13. Review status: criteria provided, single submitter. Criteria: ICSL Variant Classification Criteria 13 December 2019. Collection method: clinical testing. Allele origin: germline.
Comment: This variant was observed in the ICSL laboratory as part of a predisposition screen in an ostensibly healthy population. It had not been previously curated by ICSL or reported in the Human Gene Mutation Database (HGMD: prior to June 1st, 2018), and was therefore a candidate for classification through an automated scoring system. Utilizing variant allele frequency, disease prevalence and penetrance estimates, and inheritance mode, an automated score was calculated to assess if this variant is too frequent to cause the disease. Based on the score and internal cut-off values, a variant classified as likely benign is not then subjected to further curation. The score for this variant resulted in a classification of likely benign for this disease.

Athena Diagnostics
Classification: Benign. Last evaluated: 2017-12-14. Review status: criteria provided, single submitter. Criteria: Athena Diagnostics Criteria. Collection method: clinical testing. Allele origin: germline.

Ambry Genetics
Classification: Likely benign for Cardiovascular phenotype. Last evaluated: 2015-11-16. Review status: criteria provided, single submitter. Criteria: Ambry Variant Classification Scheme 2023. Collection method: clinical testing. Allele origin: germline.

Genetic Services Laboratory, University of Chicago
Classification: Likely benign. Last evaluated: 2015-08-03. Review status: criteria provided, single submitter. Criteria: ACMG Guidelines, 2015. Collection method: clinical testing. Allele origin: germline.

GeneDx
Classification: Benign. Last evaluated: 2013-12-21. Review status: criteria provided, single submitter. Criteria: GeneDx Variant Classification (06012015). Collection method: clinical testing. Allele origin: germline. Affected: yes.
Comment: This variant is considered likely benign or benign based on one or more of the following criteria: it is a conservative change, it occurs at a poorly conserved position in the protein, it is predicted to be benign by multiple in silico algorithms, and/or has population frequency not consistent with disease.

Eurofins Ntd Llc (ga)
Classification: Benign. Last evaluated: 2012-11-29. Review status: criteria provided, single submitter. Criteria: EGL Classification Definitions 2015. Collection method: clinical testing. Allele origin: germline. Observed: 1 variant allele, 1 heterozygote.

PreventionGenetics, part of Exact Sciences
Classification: Likely benign. Review status: criteria provided, single submitter. Criteria: ACMG Guidelines, 2015. Collection method: clinical testing. Allele origin: germline.

Natera, Inc.
Classification: Benign for Walker-Warburg congenital muscular dystrophy. Last evaluated: 2019-11-27. Review status: no assertion criteria provided. Collection method: clinical testing. Allele origin: germline. Not counted in ClinVar's aggregate classification.

Women's Health and Genetics/Laboratory Corporation of America, LabCorp
Classification: Benign for Cardiomyopathy. Last evaluated: 2015-08-17. Review status: no assertion criteria provided. Collection method: clinical testing. Allele origin: germline. Not counted in ClinVar's aggregate classification.

Clinical Genetics DNA and cytogenetics Diagnostics Lab, Erasmus MC, Erasmus Medical Center
Classification: Benign. Review status: no assertion criteria provided. Collection method: clinical testing. Allele origin: germline. Affected: yes. Study: VKGL Data-share Consensus. Not counted in ClinVar's aggregate classification.

Genome Diagnostics Laboratory, University Medical Center Utrecht
Classification: Benign. Review status: no assertion criteria provided. Collection method: clinical testing. Allele origin: germline. Affected: yes. Study: VKGL Data-share Consensus. Not counted in ClinVar's aggregate classification.

Laboratory of Diagnostic Genome Analysis, Leiden University Medical Center (LUMC)
Classification: Likely benign. Review status: no assertion criteria provided. Collection method: clinical testing. Allele origin: germline. Affected: yes. Study: VKGL Data-share Consensus. Not counted in ClinVar's aggregate classification.

NM_001079802.2(FKTN):c.166-6A>G

Gene: FKTN (fukutin; plus strand). Cytogenetic location: 9q31.2.
Variant type: single nucleotide variant.
Coding change: c.166-6A>G on transcript NM_001079802.2 (MANE Select); 6 bases into the intron before coding-DNA position 166, A replaced by G.
Molecular consequence: intron variant.
Genome position (GRCh38, 1-based): chr9:105,601,139, A>G. VCF-style: chr9-105601139-A-G. GRCh37 (hg19) VCF-style: chr9-108363420-A-G.
Other names: p.?; c.166-6A>G (NM_006731.2, NM_001351496.2, NM_001198963.2 and 1 more transcripts); c.-349-6A>G (NM_001351502.2, NM_001351499.2, NM_001351500.2 and 1 more transcripts); c.97-6A>G (NM_001351497.2).
Identifiers: ClinVar variation 36140 (VCV000036140.50), dbSNP rs41277795, ClinGen allele CA285420.